The following is an entry in ClinVar:

NM_000702.4(ATP1A2):c.2191A>T (p.Met731Leu)

Gene: ATP1A2 (ATPase Na+/K+ transporting subunit alpha 2; plus strand). Cytogenetic location: 1q23.2.
Variant type: single nucleotide variant.
Coding change: c.2191A>T on transcript NM_000702.4 (MANE Select); coding-DNA position 2191, A replaced by T.
Protein change: p.Met731Leu; replaces methionine 731 with leucine.
Molecular consequence: missense variant.
Genome position (GRCh38, 1-based): chr1:160,135,509, A>T. VCF-style: chr1-160135509-A-T. GRCh37 (hg19) VCF-style: chr1-160105299-A-T.
Other names: short protein forms M731L.
Identifiers: ClinVar variation 4742380 (VCV004742380.1).

ClinVar aggregate classification (germline): Uncertain significance (1 of 4 stars; one submission).

Conditions:
Familial hemiplegic migraine. Identifiers: MedGen C0338484, MONDO:0000700.

Submission:

Labcorp Genetics (formerly Invitae), Labcorp
Classification: Uncertain significance for Familial hemiplegic migraine. Last evaluated: 2025-12-29. Review status: criteria provided, single submitter. Criteria: Invitae Variant Classification Sherloc (09022015). Collection method: clinical testing. Allele origin: germline.
Comment: This sequence change replaces methionine, which is neutral and non-polar, with leucine, which is neutral and non-polar, at codon 731 of the ATP1A2 protein (p.Met731Leu). This variant is not present in population databases (gnomAD no frequency). This variant has not been reported in the literature in individuals affected with ATP1A2-related conditions. Invitae Evidence Modeling of protein sequence and biophysical properties (such as structural, functional, and spatial information, amino acid conservation, physicochemical variation, residue mobility, and thermodynamic stability) has been performed for this missense variant. However, the output from this modeling did not meet the statistical confidence thresholds required to predict the impact of this variant on ATP1A2 protein function. This variant disrupts the p.Met731 amino acid residue in ATP1A2. Other variant(s) that disrupt this residue have been determined to be pathogenic (PMID: 12953268, 22117059). This suggests that this residue is clinically significant, and that variants that disrupt this residue are likely to be disease-causing. In summary, the available evidence is currently insufficient to determine the role of this variant in disease. Therefore, it has been classified as a Variant of Uncertain Significance.

Literature cited by the submitters: PubMed 12953268; PubMed 22117059.